The following is an entry in ClinVar:

ClinVar aggregate classification (germline): Uncertain significance (1 of 4 stars; one submission).

Conditions:
Aortic aneurysm, familial thoracic 7 (AAT7). Also called: AORTIC DISSECTION, FAMILIAL, WITH OR WITHOUT AORTIC ANEURYSM. Identifiers: MedGen C3151077, MONDO:0013418, OMIM 613780.

gnomAD v4.1: 3 of 1,614,080 alleles (0.00019%); highest among the groups gnomAD compares: Non-Finnish European, 0.00025%; no homozygotes.

Submission:

Labcorp Genetics (formerly Invitae), Labcorp
Classification: Uncertain significance for Aortic aneurysm, familial thoracic 7. Last evaluated: 2024-06-25. Review status: criteria provided, single submitter. Criteria: Invitae Variant Classification Sherloc (09022015). Collection method: clinical testing. Allele origin: germline.
Comment: This sequence change replaces alanine, which is neutral and non-polar, with serine, which is neutral and polar, at codon 1406 of the MYLK protein (p.Ala1406Ser). This variant is not present in population databases (gnomAD no frequency). This variant has not been reported in the literature in individuals affected with MYLK-related conditions. Advanced modeling of protein sequence and biophysical properties (such as structural, functional, and spatial information, amino acid conservation, physicochemical variation, residue mobility, and thermodynamic stability) has been performed at Invitae for this missense variant, however the output from this modeling did not meet the statistical confidence thresholds required to predict the impact of this variant on MYLK protein function. In summary, the available evidence is currently insufficient to determine the role of this variant in disease. Therefore, it has been classified as a Variant of Uncertain Significance.

NM_053025.4(MYLK):c.4216G>T (p.Ala1406Ser)

Gene: MYLK (myosin light chain kinase; minus strand). Cytogenetic location: 3q21.1.
Variant type: single nucleotide variant.
Coding change: c.4216G>T on transcript NM_053025.4 (MANE Select); coding-DNA position 4216, G replaced by T.
Protein change: p.Ala1406Ser; replaces alanine 1406 with serine.
Molecular consequence: missense variant.
Genome position (GRCh38, 1-based): chr3:123,657,198, C>A on the plus strand (G>T on the coding strand, the complement: MYLK is on the minus strand). VCF-style: chr3-123657198-C-A. GRCh37 (hg19) VCF-style: chr3-123376045-C-A.
Other names: c.3688G>T, p.Ala1230Ser (NM_001321309.2); c.4009G>T, p.Ala1337Ser (NM_053026.4, NM_053028.4); c.4216G>T, p.Ala1406Ser (NM_053027.4); short protein forms A1230S, A1337S, A1406S.
Identifiers: ClinVar variation 3625708 (VCV003625708.2).